The following is an entry in ClinVar:

NM_004068.4(AP2M1):c.358T>A (p.Tyr120Asn)

Gene: AP2M1 (adaptor related protein complex 2 subunit mu 1; plus strand). Cytogenetic location: 3q27.1.
Variant type: single nucleotide variant.
Coding change: c.358T>A on transcript NM_004068.4 (MANE Select); coding-DNA position 358, T replaced by A.
Protein change: p.Tyr120Asn; replaces tyrosine 120 with asparagine.
Molecular consequence: missense variant.
Genome position (GRCh38, 1-based): chr3:184,180,186, T>A. VCF-style: chr3-184180186-T-A. GRCh37 (hg19) VCF-style: chr3-183897974-T-A.
Other names: c.358T>A, p.Tyr120Asn (NM_001025205.2); c.433T>A, p.Tyr145Asn (NM_001311198.2); short protein forms Y120N, Y145N.
Identifiers: ClinVar variation 4851976 (VCV004851976.1).

ClinVar aggregate classification (germline): Pathogenic (1 of 4 stars; one submission).

Submission:

Dasa
Classification: Pathogenic. Last evaluated: 2024-09-20. Review status: criteria provided, single submitter. Criteria: DASA Assertion Criteria. Collection method: clinical testing. Allele origin: germline.
Comment: NM_004068.4(AP2M1):c.358T>A (p.Tyr120Asn) is a missense variant that results in the substitution of tyrosine with asparagine. Multiple computational predictions support a deleterious effect on the gene or gene product. Based on the available data, this variant is classified as pathogenic.